The following is an entry in ClinVar:

ClinVar aggregate classification (germline): Uncertain significance. Review status: criteria provided, multiple submitters, no conflicts (2 of 4 stars). 2 submissions from 2 submitters: Uncertain significance (2). Last evaluated 2026-04-27.

Conditions:
Cardiovascular phenotype. Identifiers: MedGen CN230736.

gnomAD v4.1: 3 of 1,612,588 alleles (0.00019%); highest among the groups gnomAD compares: Non-Finnish European, 0.00025%; no homozygotes.

Submissions (2):

Ambry Genetics
Classification: Uncertain significance for Cardiovascular phenotype. Last evaluated: 2026-04-27. Review status: criteria provided, single submitter. Criteria: Ambry Variant Classification Scheme 2023. Collection method: clinical testing. Allele origin: germline.
Comment: The p.L1333M variant (also known as c.3997C>A), located in coding exon 28 of the MYH7 gene, results from a C to A substitution at nucleotide position 3997. The leucine at codon 1333 is replaced by methionine, an amino acid with highly similar properties. This amino acid position is conserved. In addition, this alteration is predicted to be tolerated by in silico analysis. Based on the available evidence, the clinical significance of this variant remains unclear.

Blueprint Genetics
Classification: Uncertain significance. Last evaluated: 2024-05-03. Review status: criteria provided, single submitter. Criteria: ACMG Guidelines, 2015. Collection method: clinical testing. Allele origin: germline.

NM_000257.4(MYH7):c.3997C>A (p.Leu1333Met)

Gene: MYH7 (myosin heavy chain 7; minus strand). Cytogenetic location: 14q11.2.
Variant type: single nucleotide variant.
Coding change: c.3997C>A on transcript NM_000257.4 (MANE Select); coding-DNA position 3997, C replaced by A.
Protein change: p.Leu1333Met; replaces leucine 1333 with methionine.
Molecular consequence: missense variant.
Genome position (GRCh38, 1-based): chr14:23,418,382, G>T on the plus strand (C>A on the coding strand, the complement: MYH7 is on the minus strand). VCF-style: chr14-23418382-G-T. GRCh37 (hg19) VCF-style: chr14-23887591-G-T.
Other names: c.3997C>A, p.Leu1333Met (NM_001407004.1); short protein forms L1333M.
Identifiers: ClinVar variation 4860586 (VCV004860586.2).